The following is an entry in ClinVar:

NM_003743.5(NCOA1):c.771G>C (p.Thr257=)

Gene: NCOA1 (nuclear receptor coactivator 1; plus strand). Cytogenetic location: 2p23.3.
Variant type: single nucleotide variant.
Coding change: c.771G>C on transcript NM_003743.5 (MANE Select); coding-DNA position 771, G replaced by C.
Protein change: p.Thr257=; no amino-acid change (threonine 257 retained).
Molecular consequence: synonymous variant.
Genome position (GRCh38, 1-based): chr2:24,693,310, G>C. VCF-style: chr2-24693310-G-C. GRCh37 (hg19) VCF-style: chr2-24916179-G-C.
Other names: c.771G>C, p.Thr257= (NM_001362950.1, NM_001362952.1, NM_001362954.1 and 3 more transcripts).
Identifiers: ClinVar variation 2650718 (VCV002650718.24), dbSNP rs1465661771, ClinGen allele CA425169809.

ClinVar aggregate classification (germline): Likely benign (1 of 4 stars; one submission).

Submission:

CeGaT Center for Human Genetics Tuebingen
Classification: Likely benign. Last evaluated: 2022-07-01. Review status: criteria provided, single submitter. Criteria: CeGaT Center For Human Genetics Tuebingen Variant Classification Criteria Version 2. Collection method: clinical testing. Allele origin: germline. Affected: yes. Observed: 1 variant allele.
Comment: NCOA1: PM2:Supporting, BP4, BP7